The following is an entry in ClinVar:

NM_182972.3(IRF2BP2):c.227C>G (p.Ala76Gly)

Genes: IRF2BP2 (interferon regulatory factor 2 binding protein 2; minus strand), LOC129932812 (ATAC-STARR-seq lymphoblastoid silent region 1977; plus strand). Cytogenetic location: 1q42.3.
Variant type: single nucleotide variant.
Coding change: c.227C>G on transcript NM_182972.3 (MANE Select); coding-DNA position 227, C replaced by G.
Protein change: p.Ala76Gly; replaces alanine 76 with glycine.
Molecular consequence: missense variant.
Genome position (GRCh38, 1-based): chr1:234,609,268, G>C on the plus strand (C>G on the coding strand, the complement: IRF2BP2 is on the minus strand). VCF-style: chr1-234609268-G-C. GRCh37 (hg19) VCF-style: chr1-234745014-G-C.
Other names: c.227C>G, p.Ala76Gly (NM_001077397.1); short protein forms A76G.
Identifiers: ClinVar variation 1372177 (VCV001372177.6), dbSNP rs977367479, ClinGen allele CA39546918.

ClinVar aggregate classification (germline): Uncertain significance (1 of 4 stars; one submission).

Allele frequency attached by ClinVar (database versions not stated): gnomAD 0.00002; TOPMed 0.00003.
gnomAD v4.1: 26 of 1,387,926 alleles (0.0019%); highest among the groups gnomAD compares: African/African-American, 0.0031%; no homozygotes.

Submission:

Labcorp Genetics (formerly Invitae), Labcorp
Classification: Uncertain significance. Last evaluated: 2024-04-29. Review status: criteria provided, single submitter. Criteria: Invitae Variant Classification Sherloc (09022015). Collection method: clinical testing. Allele origin: germline.
Comment: This sequence change replaces alanine, which is neutral and non-polar, with glycine, which is neutral and non-polar, at codon 76 of the IRF2BP2 protein (p.Ala76Gly). This variant is not present in population databases (gnomAD no frequency). This variant has not been reported in the literature in individuals affected with IRF2BP2-related conditions. ClinVar contains an entry for this variant (Variation ID: 1372177). An algorithm developed to predict the effect of missense changes on protein structure and function (PolyPhen-2) suggests that this variant is likely to be disruptive. In summary, the available evidence is currently insufficient to determine the role of this variant in disease. Therefore, it has been classified as a Variant of Uncertain Significance.